The following is an entry in ClinVar:

ClinVar aggregate classification (germline): Likely benign (0 of 4 stars; one submission).

Conditions:
MUC16-related disorder. Also called: MUC16-related condition.

Submission:

PreventionGenetics, part of Exact Sciences
Classification: Likely benign for MUC16-related condition. Last evaluated: 2020-08-05. Review status: no assertion criteria provided. Collection method: clinical testing. Allele origin: germline.
Comment: This variant is classified as likely benign based on ACMG/AMP sequence variant interpretation guidelines (Richards et al. 2015 PMID: 25741868, with internal and published modifications).

NM_024690.2(MUC16):c.39554G>A (p.Gly13185Asp)

Gene: MUC16 (mucin 16, cell surface associated; minus strand). Cytogenetic location: 19p13.2.
Variant type: single nucleotide variant.
Coding change: c.39554G>A on transcript NM_024690.2; coding-DNA position 39554, G replaced by A.
Protein change: p.Gly13185Asp; replaces glycine 13185 with aspartic acid.
Molecular consequence: missense variant.
Genome position (GRCh38, 1-based): chr19:8,896,018, C>T on the plus strand (G>A on the coding strand, the complement: MUC16 is on the minus strand). VCF-style: chr19-8896018-C-T. GRCh37 (hg19) VCF-style: chr19-9006694-C-T.
Other names: short protein forms G13185D.
Identifiers: ClinVar variation 3050943 (VCV003050943.2), dbSNP rs1318634340, ClinGen allele CA403814357.